The following is an entry in ClinVar:

NM_016507.4(CDK12):c.623A>G (p.Lys208Arg)

Genes: CDK12 (cyclin dependent kinase 12; plus strand), LOC126862553 (CDK7 strongly-dependent group 2 enhancer GRCh37_chr17:37618166-37619365; plus strand). Cytogenetic location: 17q12.
Variant type: single nucleotide variant.
Coding change: c.623A>G on transcript NM_016507.4 (MANE Select); coding-DNA position 623, A replaced by G.
Protein change: p.Lys208Arg; replaces lysine 208 with arginine.
Molecular consequence: missense variant.
Genome position (GRCh38, 1-based): chr17:39,462,694, A>G. VCF-style: chr17-39462694-A-G. GRCh37 (hg19) VCF-style: chr17-37618947-A-G.
Other names: c.623A>G, p.Lys208Arg (NM_015083.4); short protein forms K208R.
Identifiers: ClinVar variation 3999336 (VCV003999336.1).

ClinVar aggregate classification (germline): Uncertain significance (1 of 4 stars; one submission).

gnomAD v4.1: 2 of 1,614,106 alleles (0.00012%); highest among the groups gnomAD compares: South Asian, 0.0011%; no homozygotes.

Submission:

Ambry Genetics
Classification: Uncertain significance. Last evaluated: 2025-04-11. Review status: criteria provided, single submitter. Criteria: Ambry Variant Classification Scheme 2023. Collection method: clinical testing. Allele origin: germline.
Comment: The p.K208R variant (also known as c.623A>G), located in coding exon 1 of the CDK12 gene, results from an A to G substitution at nucleotide position 623. The lysine at codon 208 is replaced by arginine, an amino acid with highly similar properties. This amino acid position is conserved. In addition, this alteration is predicted to be tolerated by in silico analysis. Based on the available evidence, the clinical significance of this variant remains unclear.